The following is an entry in ClinVar:

NM_025216.3(WNT10A):c.1199G>C (p.Cys400Ser)

Gene: WNT10A (Wnt family member 10A; plus strand). Cytogenetic location: 2q35.
Variant type: single nucleotide variant.
Coding change: c.1199G>C on transcript NM_025216.3 (MANE Select); coding-DNA position 1199, G replaced by C.
Protein change: p.Cys400Ser; replaces cysteine 400 with serine.
Molecular consequence: missense variant.
Genome position (GRCh38, 1-based): chr2:218,893,216, G>C. VCF-style: chr2-218893216-G-C. GRCh37 (hg19) VCF-style: chr2-219757938-G-C.
Other names: short protein forms C400S.
Identifiers: ClinVar variation 939057 (VCV000939057.10), dbSNP rs1575235227, ClinGen allele CA350592514.

ClinVar aggregate classification (germline): Conflicting classifications of pathogenicity. Review status: criteria provided, conflicting classifications (1 of 4 stars). 2 submissions from 2 submitters: Likely pathogenic (1); Uncertain significance (1). Last evaluated 2026-02-05.

Conditions:
Odonto-onycho-dermal dysplasia. Identifiers: Orphanet 2721, MedGen C0796093, MONDO:0009773, OMIM 257980.
Tooth agenesis, selective, 4 (STHAG4). Also called: LATERAL INCISORS, ABSENCE OF; LATERAL INCISORS, PEGGED OR MISSING; SUCCEDANEOUS TEETH, AGENESIS OF; TOOTH AGENESIS, SELECTIVE, 4, WITH OR WITHOUT ECTODERMAL DYSPLASIA. Identifiers: Orphanet 99798, MedGen C1835492, MONDO:0007881, OMIM 150400. Disease mechanism: loss of function.

Allele frequency attached by ClinVar (database versions not stated): TOPMed below 0.00001.
gnomAD v4.1: 15 of 1,573,546 alleles (0.00095%); highest among the groups gnomAD compares: Non-Finnish European, 0.0013%; no homozygotes.

Submissions (2):

GeneDx
Classification: Likely pathogenic. Last evaluated: 2026-02-05. Review status: criteria provided, single submitter. Criteria: GeneDx Variant Classification Process June 2021. Collection method: clinical testing. Allele origin: germline.
Comment: Not observed at significant frequency in large population cohorts (gnomAD); In silico analysis supports that this missense variant has a deleterious effect on protein structure/function; Has not been previously published as pathogenic or benign to our knowledge

Labcorp Genetics (formerly Invitae), Labcorp
Classification: Uncertain significance for Tooth agenesis, selective, 4; Odonto-onycho-dermal dysplasia. Last evaluated: 2024-02-23. Review status: criteria provided, single submitter. Criteria: Invitae Variant Classification Sherloc (09022015). Collection method: clinical testing. Allele origin: germline.
Comment: This sequence change replaces cysteine, which is neutral and slightly polar, with serine, which is neutral and polar, at codon 400 of the WNT10A protein (p.Cys400Ser). This variant is not present in population databases (gnomAD no frequency). This variant has not been reported in the literature in individuals affected with WNT10A-related conditions. ClinVar contains an entry for this variant (Variation ID: 939057). Advanced modeling of protein sequence and biophysical properties (such as structural, functional, and spatial information, amino acid conservation, physicochemical variation, residue mobility, and thermodynamic stability) performed at Invitae indicates that this missense variant is expected to disrupt WNT10A protein function with a positive predictive value of 80%. In summary, the available evidence is currently insufficient to determine the role of this variant in disease. Therefore, it has been classified as a Variant of Uncertain Significance.